The following is an entry in ClinVar:

NM_001372044.2(SHANK3):c.1953dup (p.Arg652fs)

Genes: SHANK3 (SH3 and multiple ankyrin repeat domains 3; plus strand), LOC126863188 (CDK7 strongly-dependent group 2 enhancer GRCh37_chr22:51142004-51143203; plus strand). Cytogenetic location: 22q13.33.
Variant type: Duplication.
Coding change: c.1953dup on transcript NM_001372044.2 (MANE Select); coding-DNA position 1953, one base duplicated (A; older notation c.1953dupA).
Protein change: p.Arg652fs; shifts the reading frame from arginine 652.
Molecular consequence: frameshift variant.
Genome position (GRCh38, 1-based): chr22:50,704,205, A duplicated; the last of 3 consecutive A bases (chr22:50,704,203-50,704,205); duplicating any one gives the same sequence. VCF-style (leftmost placement, unchanged base first): chr22-50704202-G-GA. GRCh37 (hg19) VCF-style: chr22-51142630-G-GA.
Other names: c.1728dupA (NM_033517.1); short protein forms R652fs.
Identifiers: ClinVar variation 503925 (VCV000503925.2), dbSNP rs1555908598, ClinGen allele CA658799568.
Genomic context (GRCh38, chr22:50,704,202, plus strand): 5'-CTCCTCCCTGCTTTCCTTCATCAGCGATTATGTCATTGATGACAAAGTGGCTGTCCTGCA[G>GA]AAACGGGACCACGAGGGCTTTGGTTTTGTGCTCCGGGGAGCCAAAGGTAATGGGGAGTGG-3'

ClinVar aggregate classification (germline): Pathogenic (1 of 4 stars; one submission).

Submission:

GeneDx
Classification: Pathogenic. Last evaluated: 2017-12-13. Review status: criteria provided, single submitter. Criteria: GeneDx Variant Classification (06012015). Collection method: clinical testing. Allele origin: germline. Affected: yes.
Comment: The c.1728dupA variant in the SHANK3 gene has not been reported previously as a pathogenic variant nor as a benign variant, to our knowledge. The c.1728dupA variant causes a frameshift starting with codon Arginine 577, changes this amino acid to a Threonine residue, and creates a premature Stop codon at position 123 of the new reading frame, denoted p.Arg577ThrfsX123. This variant is predicted to cause loss of normal protein function either through protein truncation or nonsense-mediated mRNA decay. The c.1728dupA variant is not observed in large population cohorts (Lek et al., 2016).